The following is an entry in ClinVar:

ClinVar aggregate classification (germline): Uncertain significance. Review status: criteria provided, multiple submitters, no conflicts (2 of 4 stars). 2 submissions from 2 submitters: Uncertain significance (2). Last evaluated 2025-07-22.

Conditions:
EGFR-related lung cancer (EGFR). Identifiers: MedGen CN130014.
Hereditary cancer-predisposing syndrome. Also called: Hereditary Cancer Syndrome; Tumor predisposition; Hereditary neoplastic syndrome; Neoplastic Syndromes, Hereditary. Identifiers: Orphanet 140162, MedGen C0027672, MeSH D009386, MONDO:0015356.

Allele frequency attached by ClinVar (database versions not stated): gnomAD exomes below 0.00001; ExAC 0.00001.
gnomAD v4.1: 1 of 1,614,216 alleles (0.000062%); highest among the groups gnomAD compares: Non-Finnish European, 0.000085%; no homozygotes.

Submissions (2):

Ambry Genetics
Classification: Uncertain significance for Hereditary cancer-predisposing syndrome. Last evaluated: 2025-07-22. Review status: criteria provided, single submitter. Criteria: Ambry Variant Classification Scheme 2023. Collection method: clinical testing. Allele origin: germline.
Comment: The p.H888Q variant (also known as c.2664C>G), located in coding exon 22 of the EGFR gene, results from a C to G substitution at nucleotide position 2664. The histidine at codon 888 is replaced by glutamine, an amino acid with highly similar properties. This amino acid position is conserved. In addition, this alteration is predicted to be tolerated by in silico analysis. Based on the available evidence, the clinical significance of this variant remains unclear.

Labcorp Genetics (formerly Invitae), Labcorp
Classification: Uncertain significance for EGFR-related lung cancer. Last evaluated: 2024-03-06. Review status: criteria provided, single submitter. Criteria: Invitae Variant Classification Sherloc (09022015). Collection method: clinical testing. Allele origin: germline.
Comment: This sequence change replaces histidine, which is basic and polar, with glutamine, which is neutral and polar, at codon 888 of the EGFR protein (p.His888Gln). This variant is present in population databases (rs756403828, gnomAD 0.0009%). This variant has not been reported in the literature in individuals affected with EGFR-related conditions. ClinVar contains an entry for this variant (Variation ID: 1057570). Advanced modeling of protein sequence and biophysical properties (such as structural, functional, and spatial information, amino acid conservation, physicochemical variation, residue mobility, and thermodynamic stability) performed at Invitae indicates that this missense variant is not expected to disrupt EGFR protein function with a negative predictive value of 80%. In summary, the available evidence is currently insufficient to determine the role of this variant in disease. Therefore, it has been classified as a Variant of Uncertain Significance.

NM_005228.5(EGFR):c.2664C>G (p.His888Gln)

Gene: EGFR (epidermal growth factor receptor; plus strand). Cytogenetic location: 7p11.2.
Variant type: single nucleotide variant.
Coding change: c.2664C>G on transcript NM_005228.5 (MANE Select); coding-DNA position 2664, C replaced by G.
Protein change: p.His888Gln; replaces histidine 888 with glutamine.
Molecular consequence: missense variant.
Genome position (GRCh38, 1-based): chr7:55,192,804, C>G. VCF-style: chr7-55192804-C-G. GRCh37 (hg19) VCF-style: chr7-55260497-C-G.
Other names: c.2529C>G, p.His843Gln (NM_001346897.2, NM_001346899.2); c.2664C>G, p.His888Gln (NM_001346898.2); c.2505C>G, p.His835Gln (NM_001346900.2); c.1863C>G, p.His621Gln (NM_001346941.2); c.2664C>G (NM_005228.3); short protein forms H621Q, H835Q, H843Q, H888Q.
Identifiers: ClinVar variation 1057570 (VCV001057570.11), dbSNP rs756403828, ClinGen allele CA4266143.
Genomic context (GRCh38, chr7:55,192,804, plus strand): 5'-CCTCATCTCTCACCATCCCAAGGTGCCTATCAAGTGGATGGCATTGGAATCAATTTTACA[C>G]AGAATCTATACCCACCAGAGTGATGTCTGGAGCTACGGTGAGTCATAATCCTGATGCTAA-3'
Protein context (NP_005219.2, residues 878-898): IKWMALESIL[His888Gln]RIYTHQSDVW